The following is an entry in ClinVar:

ClinVar aggregate classification (germline): Benign/Likely benign. Review status: criteria provided, multiple submitters, no conflicts (2 of 4 stars). 14 submissions from 13 submitters: Benign (9); Likely benign (2). 3 of the submissions do not count toward it. Last evaluated 2026-09-01.

Conditions:
Familial thoracic aortic aneurysm and aortic dissection (TAAD). Also called: Thoracic aortic aneurysms and dissections. Identifiers: Orphanet 91387, MedGen C4707243, MONDO:0019625.
Adams-Oliver syndrome 5 (AOS5). Identifiers: Orphanet 974, MedGen C4014970, MONDO:0014459, OMIM 616028.
Aortic valve disease 1 (AOVD1). Identifiers: MedGen C3887892, MONDO:0024523, OMIM 109730.

Allele frequency attached by ClinVar (database versions not stated): gnomAD 0.00134 and 0.00180; ESP Exome Variant Server 0.00152; TOPMed 0.00170; 1000 Genomes Project 30x 0.00265; 1000 Genomes Project 0.00319; gnomAD exomes 0.00334; ExAC 0.00489.
gnomAD v4.1: 3,297 of 1,597,334 alleles (0.21%); highest among the groups gnomAD compares: South Asian, 1.2%; 30 homozygotes.

Submissions (14):

CeGaT Center for Human Genetics Tuebingen
Classification: Benign. Last evaluated: 2026-09-01. Review status: criteria provided, single submitter. Criteria: CeGaT Center For Human Genetics Tuebingen Variant Classification Criteria Version 2. Collection method: clinical testing. Allele origin: germline. Affected: yes. Observed: 11 variant alleles.
Comment: NOTCH1: BS1, BS2

Labcorp Genetics (formerly Invitae), Labcorp
Classification: Benign for Adams-Oliver syndrome 5. Last evaluated: 2026-02-02. Review status: criteria provided, single submitter. Criteria: Invitae Variant Classification Sherloc (09022015). Collection method: clinical testing. Allele origin: germline.

Genomic Medicine Center of Excellence, King Faisal Specialist Hospital and Research Centre
Classification: Likely benign. Last evaluated: 2025-08-18. Review status: criteria provided, single submitter. Criteria: ACMG Guidelines, 2015. Collection method: clinical testing. Allele origin: germline.

ARUP Laboratories, Molecular Genetics and Genomics, ARUP Laboratories
Classification: Benign. Last evaluated: 2025-03-13. Review status: criteria provided, single submitter. Criteria: ARUP Molecular Germline Variant Investigation Process 2024. Collection method: clinical testing. Allele origin: germline.

Blueprint Genetics
Classification: Likely benign. Last evaluated: 2024-11-26. Review status: criteria provided, single submitter. Criteria: ACMG Guidelines, 2015. Collection method: clinical testing. Allele origin: germline.

Women's Health and Genetics/Laboratory Corporation of America, LabCorp
Classification: Benign. Last evaluated: 2023-07-21. Review status: criteria provided, single submitter. Criteria: LabCorp Variant Classification Summary - May 2015. Collection method: clinical testing. Allele origin: germline.

Genome-Nilou Lab
Classification: Benign for Adams-Oliver syndrome 5. Last evaluated: 2022-03-15. Review status: criteria provided, single submitter. Criteria: ACMG Guidelines, 2015. Collection method: clinical testing. Allele origin: germline. Affected: no.

Genome-Nilou Lab
Classification: Benign for Aortic valve disease 1. Last evaluated: 2022-03-15. Review status: criteria provided, single submitter. Criteria: ACMG Guidelines, 2015. Collection method: clinical testing. Allele origin: germline. Affected: no.

GeneDx
Classification: Benign. Last evaluated: 2017-11-15. Review status: criteria provided, single submitter. Criteria: GeneDx Variant Classification (06012015). Collection method: clinical testing. Allele origin: germline. Affected: yes.
Comment: This variant is considered likely benign or benign based on one or more of the following criteria: it is a conservative change, it occurs at a poorly conserved position in the protein, it is predicted to be benign by multiple in silico algorithms, and/or has population frequency not consistent with disease.

CHEO Genetics Diagnostic Laboratory, Children's Hospital of Eastern Ontario
Classification: Benign for Familial thoracic aortic aneurysm and aortic dissection. Last evaluated: 2017-08-23. Review status: criteria provided, single submitter. Criteria: ACMG Guidelines, 2015. Collection method: clinical testing. Allele origin: germline. Study: Canadian Open Genetics Repository.

Breakthrough Genomics
Classification: Benign. Review status: criteria provided, single submitter. Criteria: ACMG Guidelines, 2015. Collection method: not provided. Allele origin: germline. Inheritance: Autosomal dominant inheritance. Affected: yes.

Clinical Genetics DNA and cytogenetics Diagnostics Lab, Erasmus MC, Erasmus Medical Center
Classification: Benign. Review status: no assertion criteria provided. Collection method: clinical testing. Allele origin: germline. Affected: yes. Study: VKGL Data-share Consensus. Not counted in ClinVar's aggregate classification.

Genome Diagnostics Laboratory, Amsterdam University Medical Center
Classification: Benign. Review status: no assertion criteria provided. Collection method: clinical testing. Allele origin: germline. Affected: yes. Study: VKGL Data-share Consensus. Not counted in ClinVar's aggregate classification.

Joint Genome Diagnostic Labs from Nijmegen and Maastricht, Radboudumc and MUMC+
Classification: Benign. Review status: no assertion criteria provided. Collection method: clinical testing. Allele origin: germline. Affected: yes. Study: VKGL Data-share Consensus. Not counted in ClinVar's aggregate classification.

Literature cited by the submitters: PubMed 16614245 (cited by Women's Health and Genetics/Laboratory Corporation of America, LabCorp); PubMed 19635999 (cited by Women's Health and Genetics/Laboratory Corporation of America, LabCorp); PubMed 19245433 (cited by Women's Health and Genetics/Laboratory Corporation of America, LabCorp); PubMed 22858860 (cited by Women's Health and Genetics/Laboratory Corporation of America, LabCorp).

NM_017617.5(NOTCH1):c.3511-10G>A

Gene: NOTCH1 (notch receptor 1; minus strand). Cytogenetic location: 9q34.3.
Variant type: single nucleotide variant.
Coding change: c.3511-10G>A on transcript NM_017617.5 (MANE Select); 10 bases into the intron before coding-DNA position 3511, G replaced by A.
Molecular consequence: intron variant.
Genome position (GRCh38, 1-based): chr9:136,507,447, C>T on the plus strand (G>A on the coding strand, the complement: NOTCH1 is on the minus strand). VCF-style: chr9-136507447-C-T. GRCh37 (hg19) VCF-style: chr9-139401899-C-T.
Other names: c.3511-10G>A (LRG_1122t1, NM_017617.4).
Identifiers: ClinVar variation 388293 (VCV000388293.48), dbSNP rs139838537, ClinGen allele CA5340890.